The following is an entry in ClinVar:

ClinVar aggregate classification (germline): Uncertain significance (1 of 4 stars; one submission).

Allele frequency attached by ClinVar (database versions not stated): ExAC 0.00001; ESP Exome Variant Server 0.00008.
gnomAD v4.1: 1 of 1,613,774 alleles (0.000062%); no homozygotes.

Submission:

Labcorp Genetics (formerly Invitae), Labcorp
Classification: Uncertain significance. Last evaluated: 2024-10-28. Review status: criteria provided, single submitter. Criteria: Invitae Variant Classification Sherloc (09022015). Collection method: clinical testing. Allele origin: germline.
Comment: This sequence change replaces leucine, which is neutral and non-polar, with proline, which is neutral and non-polar, at codon 218 of the SLC12A6 protein (p.Leu218Pro). This variant is present in population databases (rs150012964, gnomAD 0.0009%). This variant has not been reported in the literature in individuals affected with SLC12A6-related conditions. ClinVar contains an entry for this variant (Variation ID: 2081244). Invitae Evidence Modeling of protein sequence and biophysical properties (such as structural, functional, and spatial information, amino acid conservation, physicochemical variation, residue mobility, and thermodynamic stability) indicates that this missense variant is not expected to disrupt SLC12A6 protein function with a negative predictive value of 80%. In summary, the available evidence is currently insufficient to determine the role of this variant in disease. Therefore, it has been classified as a Variant of Uncertain Significance.

NM_001365088.1(SLC12A6):c.653T>C (p.Leu218Pro)

Genes: SLC12A6 (solute carrier family 12 member 6; minus strand), LOC129390683 (MPRA-validated peak2292 silencer; plus strand). Cytogenetic location: 15q14.
Variant type: single nucleotide variant.
Coding change: c.653T>C on transcript NM_001365088.1 (MANE Select); coding-DNA position 653, T replaced by C.
Protein change: p.Leu218Pro; replaces leucine 218 with proline.
Molecular consequence: missense variant.
Genome position (GRCh38, 1-based): chr15:34,257,679, A>G on the plus strand (T>C on the coding strand, the complement: SLC12A6 is on the minus strand). VCF-style: chr15-34257679-A-G. GRCh37 (hg19) VCF-style: chr15-34549880-A-G.
Other names: c.476T>C, p.Leu159Pro (NM_001042494.2, NM_001042495.2); c.626T>C, p.Leu209Pro (NM_001042496.2); c.608T>C, p.Leu203Pro (NM_001042497.2); c.500T>C, p.Leu167Pro (NM_005135.2); c.653T>C, p.Leu218Pro (NM_133647.2); short protein forms L159P, L167P, L209P, L218P, L203P.
Identifiers: ClinVar variation 2081244 (VCV002081244.4), dbSNP rs150012964, ClinGen allele CA7464526.